The following is an entry in ClinVar:

ClinVar aggregate classification (germline): Conflicting classifications of pathogenicity. Review status: criteria provided, conflicting classifications (1 of 4 stars). 4 submissions from 4 submitters: Uncertain significance (2); Likely benign (2). Last evaluated 2026-01-03.

Conditions:
Inborn genetic diseases. Identifiers: MedGen C0950123, MeSH D030342.
Congenital anomalies of kidney and urinary tract 2. Identifiers: Orphanet 2190, MedGen C5574705, MONDO:0027676, OMIM 143400.

Allele frequency attached by ClinVar (database versions not stated): ExAC 0.00014; ESP Exome Variant Server 0.00015; 1000 Genomes Project 30x 0.00016; 1000 Genomes Project 0.00020.

Submissions (4):

Labcorp Genetics (formerly Invitae), Labcorp
Classification: Likely benign. Last evaluated: 2026-01-03. Review status: criteria provided, single submitter. Criteria: Invitae Variant Classification Sherloc (09022015). Collection method: clinical testing. Allele origin: germline.

CeGaT Center for Human Genetics Tuebingen
Classification: Likely benign. Last evaluated: 2023-09-01. Review status: criteria provided, single submitter. Criteria: CeGaT Center For Human Genetics Tuebingen Variant Classification Criteria Version 2. Collection method: clinical testing. Allele origin: germline. Affected: yes. Observed: 1 variant allele.
Comment: TBX18: BP4

Ambry Genetics
Classification: Uncertain significance for Inborn genetic diseases. Last evaluated: 2022-07-20. Review status: criteria provided, single submitter. Criteria: Ambry Variant Classification Scheme 2023. Collection method: clinical testing. Allele origin: germline.

Department of Pathology and Laboratory Medicine, Sinai Health System
Classification: Uncertain significance for Congenital anomalies of kidney and urinary tract 2. Last evaluated: 2021-07-30. Review status: criteria provided, single submitter. Criteria: ACMG Guidelines, 2015. Collection method: research. Allele origin: germline.

NM_001080508.3(TBX18):c.1150G>T (p.Ala384Ser)

Gene: TBX18 (T-box transcription factor 18; minus strand). Cytogenetic location: 6q14.3.
Variant type: single nucleotide variant.
Coding change: c.1150G>T on transcript NM_001080508.3 (MANE Select); coding-DNA position 1150, G replaced by T.
Protein change: p.Ala384Ser; replaces alanine 384 with serine.
Molecular consequence: missense variant.
Genome position (GRCh38, 1-based): chr6:84,737,359, C>A on the plus strand (G>T on the coding strand, the complement: TBX18 is on the minus strand). VCF-style: chr6-84737359-C-A. GRCh37 (hg19) VCF-style: chr6-85447077-C-A.
Other names: short protein forms A384S.
Identifiers: ClinVar variation 2282744 (VCV002282744.28), dbSNP rs141017435, ClinGen allele CA3910892.